The following is an entry in ClinVar:

NM_000038.6(APC):c.4006A>G (p.Arg1336Gly)

Gene: APC (APC regulator of Wnt signaling pathway; plus strand). Cytogenetic location: 5q22.2.
Variant type: single nucleotide variant.
Coding change: c.4006A>G on transcript NM_000038.6 (MANE Select); coding-DNA position 4006, A replaced by G.
Protein change: p.Arg1336Gly; replaces arginine 1336 with glycine.
Molecular consequence: missense variant.
Genome position (GRCh38, 1-based): chr5:112,839,600, A>G. VCF-style: chr5-112839600-A-G. GRCh37 (hg19) VCF-style: chr5-112175297-A-G.
Other names: c.4006A>G, p.Arg1336Gly (NM_001127510.3, NM_001354895.2); c.3952A>G, p.Arg1318Gly (NM_001127511.3); c.4060A>G, p.Arg1354Gly (NM_001354896.2); c.4036A>G, p.Arg1346Gly (NM_001354897.2); c.3931A>G, p.Arg1311Gly (NM_001354898.2); c.3922A>G, p.Arg1308Gly (NM_001354899.2); c.3883A>G, p.Arg1295Gly (NM_001354900.2); c.3829A>G, p.Arg1277Gly (NM_001354901.2); and 5 more; short protein forms R1176G, R1295G, R1308G, R1311G, R1336G, R1354G, R1245G, R1277G.
Identifiers: ClinVar variation 658389 (VCV000658389.14), dbSNP rs1580642648, ClinGen allele CA16030116.

ClinVar aggregate classification (germline): Uncertain significance. Review status: criteria provided, multiple submitters, no conflicts (2 of 4 stars). 3 submissions from 3 submitters: Uncertain significance (3). Last evaluated 2025-04-04.

Conditions:
Hereditary cancer-predisposing syndrome. Also called: Hereditary neoplastic syndrome; Neoplastic Syndromes, Hereditary; Hereditary Cancer Syndrome; Tumor predisposition. Identifiers: Orphanet 140162, MedGen C0027672, MeSH D009386, MONDO:0015356.
Familial adenomatous polyposis 1 (FAP1). Also called: POLYPOSIS, ADENOMATOUS INTESTINAL; FAMILIAL ADENOMATOUS POLYPOSIS 1, ATTENUATED. Identifiers: MedGen C2713442, MONDO:0021056, OMIM 175100. Disease mechanism: loss of function.

Submissions (3):

Ambry Genetics
Classification: Uncertain significance for Hereditary cancer-predisposing syndrome. Last evaluated: 2025-04-04. Review status: criteria provided, single submitter. Criteria: Ambry Variant Classification Scheme 2023. Collection method: clinical testing. Allele origin: germline.
Comment: The p.R1336G variant (also known as c.4006A>G), located in coding exon 15 of the APC gene, results from an A to G substitution at nucleotide position 4006. The arginine at codon 1336 is replaced by glycine, an amino acid with dissimilar properties. This amino acid position is well conserved in available vertebrate species. In addition, in silico predictors for this gene do not accurately predict pathogenicity. Missense alterations in APC are not a common cause of disease (Spier I et al. Genet Med. 2024 Feb;26(2):100992). Based on the available evidence, the clinical significance of this variant remains unclear.

GeneDx
Classification: Uncertain significance. Last evaluated: 2022-09-22. Review status: criteria provided, single submitter. Criteria: GeneDx Variant Classification Process June 2021. Collection method: clinical testing. Allele origin: germline. Affected: yes.
Comment: Not observed at significant frequency in large population cohorts (gnomAD); In silico analysis supports that this missense variant does not alter protein structure/function; Has not been previously published as pathogenic or benign to our knowledge; This variant is associated with the following publications: (PMID: 18199528)

Labcorp Genetics (formerly Invitae), Labcorp
Classification: Uncertain significance for Familial adenomatous polyposis 1. Last evaluated: 2022-08-23. Review status: criteria provided, single submitter. Criteria: Invitae Variant Classification Sherloc (09022015). Collection method: clinical testing. Allele origin: germline.
Comment: This sequence change replaces arginine, which is basic and polar, with glycine, which is neutral and non-polar, at codon 1336 of the APC protein (p.Arg1336Gly). This variant is not present in population databases (gnomAD no frequency). This variant has not been reported in the literature in individuals affected with APC-related conditions. ClinVar contains an entry for this variant (Variation ID: 658389). Algorithms developed to predict the effect of missense changes on protein structure and function are either unavailable or do not agree on the potential impact of this missense change (SIFT: "Tolerated"; PolyPhen-2: "Probably Damaging"; Align-GVGD: "Class C0"). In summary, the available evidence is currently insufficient to determine the role of this variant in disease. Therefore, it has been classified as a Variant of Uncertain Significance.